The following is an entry in ClinVar:

ClinVar aggregate classification (germline): Uncertain significance (1 of 4 stars; one submission).

Conditions:
ALDOA-related disorder. Also called: ALDOA-related condition.

Allele frequency attached by ClinVar (database versions not stated): gnomAD 0.00005; TOPMed 0.00007.
gnomAD v4.1: 15 of 1,552,066 alleles (0.00097%); highest among the groups gnomAD compares: African/African-American, 0.018%; no homozygotes.

Submission:

PreventionGenetics, part of Exact Sciences
Classification: Uncertain significance for ALDOA-related condition. Last evaluated: 2023-10-05. Review status: criteria provided, single submitter. Criteria: ACMG Guidelines, 2015. Collection method: clinical testing. Allele origin: germline.
Comment: The ALDOA c.64T>C variant is predicted to result in the amino acid substitution p.Phe22Leu. To our knowledge, this variant has not been reported in the literature. This variant is reported in 0.019% of alleles in individuals of African descent in gnomAD. At this time, the clinical significance of this variant is uncertain due to the absence of conclusive functional and genetic evidence.

NM_001243177.4(ALDOA):c.64T>C (p.Phe22Leu)

Genes: ALDOA (aldolase, fructose-bisphosphate A; plus strand), LOC112694756 (uncharaterized LOC112694756; plus strand). Cytogenetic location: 16p11.2.
Variant type: single nucleotide variant.
Coding change: c.64T>C on transcript NM_001243177.4 (MANE Select); coding-DNA position 64, T replaced by C.
Protein change: p.Phe22Leu; replaces phenylalanine 22 with leucine.
Molecular consequence: missense variant. On other transcripts: intron variant (6).
Genome position (GRCh38, 1-based): chr16:30,066,961, T>C. VCF-style: chr16-30066961-T-C. GRCh37 (hg19) VCF-style: chr16-30078282-T-C.
Other names: c.*489-273T>C (NM_001365307.2, NM_001365305.2, NM_001365304.2); c.-21-273T>C (NM_184043.2, NM_001127617.2, NM_184041.5); short protein forms F22L.
Identifiers: ClinVar variation 2628565 (VCV002628565.1), dbSNP rs769800173, ClinGen allele CA8000804.